The following is an entry in ClinVar:

ClinVar aggregate classification (germline): Uncertain significance. Review status: criteria provided, multiple submitters, no conflicts (2 of 4 stars). 3 submissions from 3 submitters: Uncertain significance (2). 1 of the submissions does not count toward it. Last evaluated 2023-11-02.

Conditions:
Dystonic disorder. Also called: Dystonia. Identifiers: MedGen C0013421, MONDO:0003441, HP:0001332.
Mental deterioration. Also called: Cognitive decline. Identifiers: MedGen C0234985, HP:0001268.
Spinocerebellar ataxia, autosomal recessive, with axonal neuropathy 2 (SCAN2). Also called: ATAXIA-OCULOMOTOR APRAXIA 2; Ataxia with Oculomotor Apraxia; Ataxia-ocular apraxia-2; Ataxia with Oculomotor Apraxia Type 2. Identifiers: Orphanet 64753, MedGen C1853761, MONDO:0018996, OMIM 606002.
Amyotrophic lateral sclerosis type 4 (ALS4). Also called: AMYOTROPHIC LATERAL SCLEROSIS 4, JUVENILE; NEURONOPATHY, DISTAL HEREDITARY MOTOR, WITH PYRAMIDAL FEATURES. Identifiers: Orphanet 357043, MedGen C1865409, MONDO:0011223, OMIM 602433.

Allele frequency attached by ClinVar (database versions not stated): ExAC 0.00001; gnomAD 0.00001; gnomAD exomes 0.00002; TOPMed 0.00002.

Submissions (3):

Labcorp Genetics (formerly Invitae), Labcorp
Classification: Uncertain significance for Amyotrophic lateral sclerosis type 4; Spinocerebellar ataxia, autosomal recessive, with axonal neuropathy 2. Last evaluated: 2023-11-02. Review status: criteria provided, single submitter. Criteria: Invitae Variant Classification Sherloc (09022015). Collection method: clinical testing. Allele origin: germline.
Comment: This variant, c.2607_2609del, results in the deletion of 1 amino acid(s) of the SETX protein (p.Lys870del), but otherwise preserves the integrity of the reading frame. This variant is present in population databases (rs781159054, gnomAD 0.003%). This variant has not been reported in the literature in individuals affected with SETX-related conditions. ClinVar contains an entry for this variant (Variation ID: 373903). Experimental studies and prediction algorithms are not available or were not evaluated, and the functional significance of this variant is currently unknown. In summary, the available evidence is currently insufficient to determine the role of this variant in disease. Therefore, it has been classified as a Variant of Uncertain Significance.

GeneDx
Classification: Uncertain significance. Last evaluated: 2023-02-15. Review status: criteria provided, single submitter. Criteria: GeneDx Variant Classification Process June 2021. Collection method: clinical testing. Allele origin: germline. Affected: yes.
Comment: Not observed at significant frequency in large population cohorts (gnomAD); In-frame deletion of one amino acid in a non-repeat region; In silico analysis supports that this variant does not alter protein structure/function; Has not been previously published as pathogenic or benign to our knowledge

Centre for Mendelian Genomics, University Medical Centre Ljubljana
Classification: Uncertain significance for Cognitive decline; dystonia. Last evaluated: 2016-08-22. Review status: no assertion criteria provided. Collection method: clinical testing. Allele origin: unknown. Affected: yes. Not counted in ClinVar's aggregate classification.

NM_015046.7(SETX):c.2607_2609del (p.Lys870del)

Gene: SETX (senataxin; minus strand). Cytogenetic location: 9q34.13.
Variant type: Deletion.
Coding change: c.2607_2609del on transcript NM_015046.7 (MANE Select); coding-DNA positions 2607 to 2609, 3 bases deleted (AAA; older notation c.2607_2609delAAA).
Protein change: p.Lys870del; deletes lysine 870.
Molecular consequence: inframe deletion.
Genome position (GRCh38, 1-based): chr9:132,328,989-132,328,991, TTT deleted on the plus strand (AAA on the coding strand, the reverse complement: SETX is on the minus strand). VCF-style (leftmost placement, unchanged base first): chr9-132328988-CTTT-C. GRCh37 (hg19) VCF-style: chr9-135204375-CTTT-C.
Other names: c.2607_2609del, p.Lys870del (NM_001351527.2, NM_001351528.2); c.2607_2609delAAA (NM_015046.5); c.2607_2609del (NM_015046.5); short protein forms K870del.
Identifiers: ClinVar variation 373903 (VCV000373903.10), dbSNP rs781159054, ClinGen allele CA5297564.
Genomic context (GRCh38, chr9:132,328,988, plus strand): 5'-ATGAAATTCCTGTATTTTACAATTGTTTTCATGGAAAGAGAAAATAACTAATTCTTCATT[CTTT>C]AATTGTTTCTCTTTTGGCAATACATTGTTTTGAGATTTTTGTTCTCCATTCTTATCATCC-3'